The following is an entry in ClinVar:

ClinVar aggregate classification (germline): Uncertain significance (1 of 4 stars; one submission).

Conditions:
Autosomal recessive limb-girdle muscular dystrophy type 2E (LGMDR4). Also called: MUSCULAR DYSTROPHY, LIMB-GIRDLE, AUTOSOMAL RECESSIVE 4. Identifiers: Orphanet 119, MedGen C1858593, MONDO:0011423, OMIM 604286. Disease mechanism: Affects gamma-sarcoglycan and also disrupts the integrity of the entire sarcoglycan complex..

Submission:

Labcorp Genetics (formerly Invitae), Labcorp
Classification: Uncertain significance for Autosomal recessive limb-girdle muscular dystrophy type 2E. Last evaluated: 2022-05-09. Review status: criteria provided, single submitter. Criteria: Invitae Variant Classification Sherloc (09022015). Collection method: clinical testing. Allele origin: germline.
Comment: This sequence change replaces glycine, which is neutral and non-polar, with arginine, which is basic and polar, at codon 56 of the SGCB protein (p.Gly56Arg). This variant is not present in population databases (gnomAD no frequency). This variant has not been reported in the literature in individuals affected with SGCB-related conditions. Algorithms developed to predict the effect of missense changes on protein structure and function (SIFT, PolyPhen-2, Align-GVGD) all suggest that this variant is likely to be disruptive. In summary, the available evidence is currently insufficient to determine the role of this variant in disease. Therefore, it has been classified as a Variant of Uncertain Significance.

NM_000232.5(SGCB):c.166G>A (p.Gly56Arg)

Gene: SGCB (sarcoglycan beta; minus strand). Cytogenetic location: 4q12.
Variant type: single nucleotide variant.
Coding change: c.166G>A on transcript NM_000232.5 (MANE Select); coding-DNA position 166, G replaced by A.
Protein change: p.Gly56Arg; replaces glycine 56 with arginine.
Molecular consequence: missense variant.
Genome position (GRCh38, 1-based): chr4:52,033,508, C>T on the plus strand (G>A on the coding strand, the complement: SGCB is on the minus strand). VCF-style: chr4-52033508-C-T. GRCh37 (hg19) VCF-style: chr4-52899674-C-T.
Other names: short protein forms G56R.
Identifiers: ClinVar variation 2135866 (VCV002135866.1), dbSNP rs2475230209, ClinGen allele CA356877938.